The following is an entry in ClinVar:

ClinVar aggregate classification (germline): Uncertain significance. Review status: criteria provided, multiple submitters, no conflicts (2 of 4 stars). 2 submissions from 2 submitters: Uncertain significance (2). Last evaluated 2026-01-19.

Conditions:
Beckwith-Wiedemann syndrome (BWS). Also called: EMG SYNDROME; Exomphalos macroglossia gigantism syndrome. Identifiers: Orphanet 116, MedGen C0004903, MONDO:0007534, OMIM 130650.
IMAGe syndrome. Also called: Intrauterine growth retardation, metaphyseal dysplasia, adrenal hypoplasia congenita, and genital anomalies; Intrauterine Growth Restriction, Metaphyseal Dysplasia, Adrenal Hypoplasia Congenita, and Genital Anomalies. Identifiers: Orphanet 85173, MedGen C1846009, MONDO:0013873, OMIM 614732.

Submissions (2):

Labcorp Genetics (formerly Invitae), Labcorp
Classification: Uncertain significance for Beckwith-Wiedemann syndrome. Last evaluated: 2026-01-19. Review status: criteria provided, single submitter. Criteria: Invitae Variant Classification Sherloc (09022015). Collection method: clinical testing. Allele origin: germline.
Comment: This sequence change replaces alanine, which is neutral and non-polar, with leucine, which is neutral and non-polar, at codon 196 of the CDKN1C protein (p.Ala196Leu). The frequency data for this variant in the population databases is considered unreliable, as metrics indicate insufficient coverage at this position in the gnomAD database. This missense change has been observed in individual(s) with breast cancer (PMID: 35980532). ClinVar contains an entry for this variant (Variation ID: 661787). Experimental studies and prediction algorithms are not available or were not evaluated, and the functional significance of this variant is currently unknown. In summary, the available evidence is currently insufficient to determine the role of this variant in disease. Therefore, it has been classified as a Variant of Uncertain Significance.

Fulgent Genetics
Classification: Uncertain significance for Beckwith-Wiedemann syndrome; IMAGe syndrome. Last evaluated: 2024-02-15. Review status: criteria provided, single submitter. Criteria: ACMG Guidelines, 2015. Collection method: clinical testing. Allele origin: germline.

Literature cited by the submitters: PubMed 35980532 (cited by Labcorp Genetics (formerly Invitae), Labcorp).

NM_001122630.2(CDKN1C):c.553_554delinsTT (p.Ala185Leu)

Gene: CDKN1C (cyclin dependent kinase inhibitor 1C; minus strand). Cytogenetic location: 11p15.4.
Variant type: Indel.
Coding change: c.553_554delinsTT on transcript NM_001122630.2 (MANE Select); coding-DNA positions 553 to 554, GC replaced by TT.
Protein change: p.Ala185Leu; replaces alanine 185 with leucine.
Molecular consequence: missense variant. On other transcripts: intron variant (1).
Genome position (GRCh38, 1-based): chr11:2,884,903-2,884,904, GC replaced by AA on the plus strand (GC replaced by TT on the coding strand, the reverse complement: CDKN1C is on the minus strand). VCF-style: chr11-2884903-GC-AA. GRCh37 (hg19) VCF-style: chr11-2906133-GC-AA.
Other names: c.586_587delGCinsTT (NM_000076.2); c.586_587delinsTT, p.Ala196Leu (LRG_533t1, NM_000076.2, NM_001362474.2); c.553_554delinsTT, p.Ala185Leu (NM_001122631.2); c.255+298_255+299delinsTT (NM_001362475.2); short protein forms A196L, A185L.
Identifiers: ClinVar variation 661787 (VCV000661787.10), dbSNP rs1590149719, ClinGen allele CA915947944.
Genomic context (GRCh38, chr11:2,884,903, plus strand): 5'-GGGGCCGGGGCCGGGGCGGGGGCCGGGGCCGGGGCCGGGGCCGGGGCTGGGGCCGGGGCC[GC>AA]GACTGGAGCCGGGGCCGGAGCCGGAGCCGGAGCCGGGGCCGGGGCCGGGGCCAGGACCGC-3'
Protein context (NP_001116102.1, residues 175-195): PAPAPAPAPV[Ala185Leu]APAPAPAPAP